The following is an entry in ClinVar:

NM_002381.5(MATN3):c.946G>A (p.Gly316Arg)

Genes: MATN3 (matrilin 3; minus strand), WDR35-DT (WDR35 divergent transcript; plus strand). Cytogenetic location: 2p24.1.
Variant type: single nucleotide variant.
Coding change: c.946G>A on transcript NM_002381.5 (MANE Select); coding-DNA position 946, G replaced by A.
Protein change: p.Gly316Arg; replaces glycine 316 with arginine.
Molecular consequence: missense variant.
Genome position (GRCh38, 1-based): chr2:20,002,051, C>T on the plus strand (G>A on the coding strand, the complement: MATN3 is on the minus strand). VCF-style: chr2-20002051-C-T. GRCh37 (hg19) VCF-style: chr2-20201812-C-T.
Other names: short protein forms G316R.
Identifiers: ClinVar variation 373394 (VCV000373394.3), dbSNP rs368983587, ClinGen allele CA1543842.

ClinVar aggregate classification (germline): Uncertain significance. Review status: criteria provided, multiple submitters, no conflicts (2 of 4 stars). 2 submissions from 2 submitters: Uncertain significance (2). Last evaluated 2025-03-05.

Allele frequency attached by ClinVar (database versions not stated): ExAC 0.00001; gnomAD 0.00002; gnomAD exomes 0.00002; TOPMed 0.00003; ESP Exome Variant Server 0.00008.
gnomAD v4.1: 28 of 1,612,320 alleles (0.0017%); highest among the groups gnomAD compares: Admixed American, 0.005%; no homozygotes.

Submissions (2):

Labcorp Genetics (formerly Invitae), Labcorp
Classification: Uncertain significance. Last evaluated: 2025-03-05. Review status: criteria provided, single submitter. Criteria: Invitae Variant Classification Sherloc (09022015). Collection method: clinical testing. Allele origin: germline.
Comment: This sequence change replaces glycine, which is neutral and non-polar, with arginine, which is basic and polar, at codon 316 of the MATN3 protein (p.Gly316Arg). This variant is present in population databases (rs368983587, gnomAD 0.007%). This variant has not been reported in the literature in individuals affected with MATN3-related conditions. ClinVar contains an entry for this variant (Variation ID: 373394). Invitae Evidence Modeling of protein sequence and biophysical properties (such as structural, functional, and spatial information, amino acid conservation, physicochemical variation, residue mobility, and thermodynamic stability) indicates that this missense variant is not expected to disrupt MATN3 protein function with a negative predictive value of 80%. Algorithms developed to predict the effect of sequence changes on RNA splicing suggest that this variant may disrupt the consensus splice site. In summary, the available evidence is currently insufficient to determine the role of this variant in disease. Therefore, it has been classified as a Variant of Uncertain Significance.

GeneDx
Classification: Uncertain significance. Last evaluated: 2016-11-23. Review status: criteria provided, single submitter. Criteria: GeneDx Variant Classification (06012015). Collection method: clinical testing. Allele origin: germline. Affected: yes.
Comment: The G316R variant in the MATN3 gene has not been reported previously as a pathogenic variant, nor as a benign variant, to our knowledge. The G316R variant was not observed with any significant frequency in approximately 6100 individuals of European and African American ancestry in the NHLBI Exome Sequencing Project, indicating it is not a common benign variant in these populations. The G316R variant is a non-conservative amino acid substitution, which is likely to impact secondary protein structure as these residues differ in polarity, charge, size and/or other properties. This substitution occurs at a position that is conserved across mammalian species, and in silico analysis predicts this variant is probably damaging to the protein structure/function. As an alternate mechanism, in silico algorithms predict that c.946 G>A (aka G316R) might create a cryptic splice acceptor site within exon 4, which may supplant the natural splice acceptor site. However, in the absence of RNA/functional studies, the actual effect of c.946 G>A in this individual is unknown. We interpret G316R as a variant of uncertain significance.